The following is an entry in ClinVar:

NM_018993.4(RIN2):c.2220C>T (p.Ser740=)

Gene: RIN2 (Ras and Rab interactor 2; plus strand). Cytogenetic location: 20p11.23.
Variant type: single nucleotide variant.
Coding change: c.2220C>T on transcript NM_018993.4 (MANE Select); coding-DNA position 2220, C replaced by T.
Protein change: p.Ser740=; no amino-acid change (serine 740 retained).
Molecular consequence: synonymous variant.
Genome position (GRCh38, 1-based): chr20:19,996,698, C>T. VCF-style: chr20-19996698-C-T. GRCh37 (hg19) VCF-style: chr20-19977342-C-T.
Other names: c.2367C>T, p.Ser789= (NM_001242581.2); c.1602C>T, p.Ser534= (NM_001378238.1).
Identifiers: ClinVar variation 696797 (VCV000696797.14), dbSNP rs146810222, ClinGen allele CA9780251.

ClinVar aggregate classification (germline): Benign/Likely benign. Review status: criteria provided, multiple submitters, no conflicts (2 of 4 stars). 5 submissions from 5 submitters: Benign (1); Likely benign (4). Last evaluated 2026-09-02.

Conditions:
RIN2-related disorder. Also called: RIN2-related condition.

Allele frequency attached by ClinVar (database versions not stated): gnomAD exomes 0.00021; ExAC 0.00032; 1000 Genomes Project 0.00040; 1000 Genomes Project 30x 0.00047; ESP Exome Variant Server 0.00058; gnomAD 0.00080 and 0.00083; TOPMed 0.00104.
gnomAD v4.1: 241 of 1,614,024 alleles (0.015%); highest among the groups gnomAD compares: African/African-American, 0.25%; no homozygotes.

Submissions (5):

PreventionGenetics, part of Exact Sciences
Classification: Likely benign for RIN2-related condition. Last evaluated: 2026-09-02. Review status: criteria provided, single submitter. Criteria: ACMG Guidelines, 2015. Collection method: clinical testing. Allele origin: germline.
Comment: This variant is classified as likely benign based on ACMG/AMP sequence variant interpretation guidelines (Richards et al. 2015 PMID: 25741868, with internal and published modifications).

Labcorp Genetics (formerly Invitae), Labcorp
Classification: Benign. Last evaluated: 2026-02-01. Review status: criteria provided, single submitter. Criteria: Invitae Variant Classification Sherloc (09022015). Collection method: clinical testing. Allele origin: germline.

Blueprint Genetics
Classification: Likely benign. Last evaluated: 2024-09-11. Review status: criteria provided, single submitter. Criteria: ACMG Guidelines, 2015. Collection method: clinical testing. Allele origin: germline.

GeneDx
Classification: Likely benign. Last evaluated: 2021-01-13. Review status: criteria provided, single submitter. Criteria: GeneDx Variant Classification Process June 2021. Collection method: clinical testing. Allele origin: germline. Affected: yes.

Breakthrough Genomics
Classification: Likely benign. Review status: criteria provided, single submitter. Criteria: ACMG Guidelines, 2015. Collection method: not provided. Allele origin: germline. Inheritance: Autosomal recessive inheritance. Affected: yes.